The following is an entry in ClinVar:

ClinVar aggregate classification (germline): Uncertain significance. Review status: criteria provided, multiple submitters, no conflicts (2 of 4 stars). 2 submissions from 2 submitters: Uncertain significance (2). Last evaluated 2025-06-25.

Conditions:
Inborn genetic diseases. Identifiers: MedGen C0950123, MeSH D030342.

Allele frequency attached by ClinVar (database versions not stated): TOPMed below 0.00001; gnomAD 0.00001; gnomAD exomes 0.00001; ExAC 0.00002.
gnomAD v4.1: 13 of 1,614,014 alleles (0.00081%); highest among the groups gnomAD compares: South Asian, 0.0066%; no homozygotes.

Submissions (2):

Ambry Genetics
Classification: Uncertain significance for Inborn genetic diseases. Last evaluated: 2025-06-25. Review status: criteria provided, single submitter. Criteria: Ambry Variant Classification Scheme 2023. Collection method: clinical testing. Allele origin: germline.

Labcorp Genetics (formerly Invitae), Labcorp
Classification: Uncertain significance. Last evaluated: 2023-10-15. Review status: criteria provided, single submitter. Criteria: Invitae Variant Classification Sherloc (09022015). Collection method: clinical testing. Allele origin: germline.
Comment: This sequence change replaces methionine, which is neutral and non-polar, with threonine, which is neutral and polar, at codon 249 of the ALPK1 protein (p.Met249Thr). This variant is present in population databases (rs752537126, gnomAD 0.02%). This variant has not been reported in the literature in individuals affected with ALPK1-related conditions. This missense change has been observed in at least one individual who was not affected with ALPK1-related conditions (Invitae). Advanced modeling of protein sequence and biophysical properties (such as structural, functional, and spatial information, amino acid conservation, physicochemical variation, residue mobility, and thermodynamic stability) performed at Invitae indicates that this missense variant is expected to disrupt ALPK1 protein function. In summary, the available evidence is currently insufficient to determine the role of this variant in disease. Therefore, it has been classified as a Variant of Uncertain Significance.

NM_025144.4(ALPK1):c.746T>C (p.Met249Thr)

Gene: ALPK1 (alpha kinase 1; plus strand). Cytogenetic location: 4q25.
Variant type: single nucleotide variant.
Coding change: c.746T>C on transcript NM_025144.4 (MANE Select); coding-DNA position 746, T replaced by C.
Protein change: p.Met249Thr; replaces methionine 249 with threonine.
Molecular consequence: missense variant.
Genome position (GRCh38, 1-based): chr4:112,427,616, T>C. VCF-style: chr4-112427616-T-C. GRCh37 (hg19) VCF-style: chr4-113348772-T-C.
Other names: c.746T>C, p.Met249Thr (NM_001102406.2); c.512T>C, p.Met171Thr (NM_001253884.2); c.746T>C (NM_025144.3); short protein forms M249T, M171T.
Identifiers: ClinVar variation 2995629 (VCV002995629.4), dbSNP rs752537126, ClinGen allele CA3046542.
Genomic context (GRCh38, chr4:112,427,616, plus strand): 5'-TGTTTTTCTTACAGGGCCTCTCCACGTCGCTAGGTATACTGGCAGACATCTTTGTTTCCA[T>C]GAGCAAGAACGATTATGAAAAGTTTAAAAACAATCCACAAATTAATTTGGTAATTATCAT-3'
Protein context (NP_079420.3, residues 239-259): LGILADIFVS[Met249Thr]SKNDYEKFKN